The following is an entry in ClinVar:

NM_000038.6(APC):c.2506_2524delinsGA (p.Ser836fs)

Gene: APC (APC regulator of Wnt signaling pathway; plus strand). Cytogenetic location: 5q22.2.
Variant type: Indel.
Coding change: c.2506_2524delinsGA on transcript NM_000038.6 (MANE Select); coding-DNA positions 2506 to 2524, TCATCAAGAGGAAGCTTAG replaced by GA.
Protein change: p.Ser836fs; shifts the reading frame from serine 836.
Molecular consequence: frameshift variant. On other transcripts: non-coding transcript variant (2).
Genome position (GRCh38, 1-based): chr5:112,838,100-112,838,118, TCATCAAGAGGAAGCTTAG replaced by GA. VCF-style: chr5-112838100-TCATCAAGAGGAAGCTTAG-GA. GRCh37 (hg19) VCF-style: chr5-112173797-TCATCAAGAGGAAGCTTAG-GA.
Other names: c.2476_2494delinsGA, p.Ser826fs (NM_001407452.1); c.2257_2275delinsGA, p.Ser753fs (NM_001407456.1, NM_001407457.1, NM_001407454.1 and 1 more transcripts); c.2203_2221delinsGA, p.Ser735fs (NM_001407458.1, NM_001354903.2, NM_001407459.1 and 1 more transcripts); c.2329_2347delinsGA, p.Ser777fs (NM_001407453.1, NM_001354901.2); c.2506_2524delinsGA, p.Ser836fs (NM_001127510.3, NM_001354895.2, NM_001407450.1); c.2452_2470delinsGA, p.Ser818fs (NM_001127511.3); c.2560_2578delinsGA, p.Ser854fs (NM_001354896.2, NM_001407447.1, NM_001407448.1 and 1 more transcripts); c.2536_2554delinsGA, p.Ser846fs (NM_001354897.2); and 11 more; short protein forms S452fs, S553fs, S676fs, S707fs, S710fs, S735fs, S745fs, S753fs.
Identifiers: ClinVar variation 2583863 (VCV002583863.2), dbSNP rs2533427808, ClinGen allele CA2582341471.

ClinVar aggregate classification (germline): Pathogenic (1 of 4 stars; one submission).

Conditions:
Familial adenomatous polyposis 1 (FAP1). Also called: FAMILIAL ADENOMATOUS POLYPOSIS 1, ATTENUATED; POLYPOSIS, ADENOMATOUS INTESTINAL. Identifiers: MedGen C2713442, MONDO:0021056, OMIM 175100. Disease mechanism: loss of function.

Submission:

Myriad Genetics, Inc.
Classification: Pathogenic for Familial adenomatous polyposis 1. Last evaluated: 2023-05-04. Review status: criteria provided, single submitter. Criteria: Myriad Autosomal Dominant, Autosomal Recessive and X-Linked Classification Criteria (2023). Collection method: clinical testing. Allele origin: unknown.
Comment: This variant is considered pathogenic. This variant creates a frameshift predicted to result in premature protein truncation.